The following is an entry in ClinVar:

ClinVar aggregate classification (germline): Benign/Likely benign. Review status: criteria provided, multiple submitters, no conflicts (2 of 4 stars). 2 submissions from 2 submitters: Benign (1); Likely benign (1). Last evaluated 2025-12-18.

Conditions:
THAP11-related disorder. Also called: THAP11-related condition.

Submissions (2):

Labcorp Genetics (formerly Invitae), Labcorp
Classification: Benign. Last evaluated: 2025-12-18. Review status: criteria provided, single submitter. Criteria: Invitae Variant Classification Sherloc (09022015). Collection method: clinical testing. Allele origin: germline.

PreventionGenetics, part of Exact Sciences
Classification: Likely benign for THAP11-related condition. Last evaluated: 2025-03-21. Review status: criteria provided, single submitter. Criteria: ACMG Guidelines, 2015. Collection method: clinical testing. Allele origin: germline.
Comment: This variant is classified as likely benign based on ACMG/AMP sequence variant interpretation guidelines (Richards et al. 2015 PMID: 25741868, with internal and published modifications).

NM_020457.3(THAP11):c.366_386del (p.Gln126_Gln132del)

Genes: THAP11 (THAP domain containing 11; plus strand), CENPT (centromere protein T; minus strand). Cytogenetic location: 16q22.1.
Variant type: Deletion.
Coding change: c.366_386del on transcript NM_020457.3 (MANE Select); coding-DNA positions 366 to 386, 21 bases deleted (ACAGCAGCAGCAGCAGCAGCA).
Protein change: p.Gln126_Gln132del.
Molecular consequence: inframe deletion. On other transcripts: intron variant (1).
Genome position (GRCh38, 1-based): chr16:67,842,920-67,842,940, ACAGCAGCAGCAGCAGCAGCA deleted; deleting any 21 consecutive bases within chr16:67,842,903-67,842,940 gives the same sequence; the c. name uses the placement nearest the transcript's 3' end. VCF-style (leftmost placement, unchanged base first): chr16-67842902-ACAGCAGCAGCAGCAGCAACAG-A. GRCh37 (hg19) VCF-style: chr16-67876805-ACAGCAGCAGCAGCAGCAACAG-A.
Other names: c.-492+4478_-492+4498del (NM_025082.4); c.366_386del21 (NM_020457.2).
Identifiers: ClinVar variation 1552811 (VCV001552811.9), dbSNP rs766753650, ClinGen allele CA8118206.